The following is an entry in ClinVar:

NM_004999.4(MYO6):c.3439C>T (p.Pro1147Ser)

Gene: MYO6 (myosin VI; plus strand). Cytogenetic location: 6q14.1.
Variant type: single nucleotide variant.
Coding change: c.3439C>T on transcript NM_004999.4 (MANE Select); coding-DNA position 3439, C replaced by T.
Protein change: p.Pro1147Ser; replaces proline 1147 with serine.
Molecular consequence: missense variant. On other transcripts: intron variant (3).
Genome position (GRCh38, 1-based): chr6:75,911,698, C>T. VCF-style: chr6-75911698-C-T. GRCh37 (hg19) VCF-style: chr6-76621415-C-T.
Other names: c.3370C>T, p.Pro1124Ser (NM_001300899.2); c.3355C>T, p.Pro1119Ser (NM_001368138.1); c.3466C>T, p.Pro1156Ser (NM_001368865.1); c.3440-2365C>T (NM_001368866.1); c.3401-2365C>T (NM_001368137.1); c.3344-2365C>T (NM_001368136.1); short protein forms P1147S, P1124S, P1156S, P1119S.
Identifiers: ClinVar variation 1509724 (VCV001509724.6), dbSNP rs748774373, ClinGen allele CA3897719.

ClinVar aggregate classification (germline): Uncertain significance (1 of 4 stars; one submission).

Allele frequency attached by ClinVar (database versions not stated): gnomAD exomes 0.00001 and 0.00006; ExAC 0.00002; TOPMed 0.00006; gnomAD 0.00007.
gnomAD v4.1: 34 of 1,611,478 alleles (0.0021%); highest among the groups gnomAD compares: Admixed American, 0.037%; no homozygotes.

Submission:

Labcorp Genetics (formerly Invitae), Labcorp
Classification: Uncertain significance. Last evaluated: 2023-04-14. Review status: criteria provided, single submitter. Criteria: Invitae Variant Classification Sherloc (09022015). Collection method: clinical testing. Allele origin: germline.
Comment: In summary, the available evidence is currently insufficient to determine the role of this variant in disease. Therefore, it has been classified as a Variant of Uncertain Significance. An algorithm developed to predict the effect of missense changes on protein structure and function (PolyPhen-2) suggests that this variant is likely to be tolerated. This sequence change replaces proline, which is neutral and non-polar, with serine, which is neutral and polar, at codon 1147 of the MYO6 protein (p.Pro1147Ser). This variant is present in population databases (rs748774373, gnomAD 0.04%). This variant has not been reported in the literature in individuals affected with MYO6-related conditions. ClinVar contains an entry for this variant (Variation ID: 1509724).